The following is an entry in ClinVar:

NM_005888.4(SLC25A3):c.276A>G (p.Arg92=)

Genes: SLC25A3 (solute carrier family 25 member 3; plus strand), LOC130008523 (ATAC-STARR-seq lymphoblastoid active region 6847; plus strand). Cytogenetic location: 12q23.1.
Variant type: single nucleotide variant.
Coding change: c.276A>G on transcript NM_005888.4 (MANE Plus Clinical); coding-DNA position 276, A replaced by G.
Protein change: p.Arg92=; no amino-acid change (arginine 92 retained).
Molecular consequence: synonymous variant. On other transcripts: intron variant (2).
Genome position (GRCh38, 1-based): chr12:98,595,551, A>G. VCF-style: chr12-98595551-A-G. GRCh37 (hg19) VCF-style: chr12-98989329-A-G.
Other names: c.276A>G (NM_005888.3); c.158-176A>G (NM_213611.3, NM_002635.4).
Identifiers: ClinVar variation 2981102 (VCV002981102.6), dbSNP rs778422136, ClinGen allele CA6732867.
Genomic context (GRCh38, chr12:98,595,551, plus strand): 5'-AATTATTAGCTGTGGCACAACACATACAGCATTGGTTCCTCTAGATCTGGTTAAATGCAG[A>G]ATGCAGGTTTGTTTTGCATGCTGGACTAGAGCATATTGAAGCATGACTGACTGTTAAGTT-3'
Protein context (NP_005879.1, residues 82-102): ALVPLDLVKC[Arg92=]MQVDPQKYKG

ClinVar aggregate classification (germline): Likely benign. Review status: criteria provided, multiple submitters, no conflicts (2 of 4 stars). 3 submissions from 3 submitters: Likely benign (2). 1 of the submissions does not count toward it. Last evaluated 2023-12-21.

Conditions:
SLC25A3-related disorder. Also called: SLC25A3-related condition.

Allele frequency attached by ClinVar (database versions not stated): ExAC 0.00001.
gnomAD v4.1: 1 of 1,614,206 alleles (0.000062%); no homozygotes.

Submissions (3):

Blueprint Genetics
Classification: Likely benign. Last evaluated: 2023-12-21. Review status: criteria provided, single submitter. Criteria: ACMG Guidelines, 2015. Collection method: clinical testing. Allele origin: germline.

Labcorp Genetics (formerly Invitae), Labcorp
Classification: Likely benign. Last evaluated: 2022-11-10. Review status: criteria provided, single submitter. Criteria: Invitae Variant Classification Sherloc (09022015). Collection method: clinical testing. Allele origin: germline.

PreventionGenetics, part of Exact Sciences
Classification: Likely benign for SLC25A3-related condition. Last evaluated: 2019-02-20. Review status: no assertion criteria provided. Collection method: clinical testing. Allele origin: germline. Not counted in ClinVar's aggregate classification.
Comment: This variant is classified as likely benign based on ACMG/AMP sequence variant interpretation guidelines (Richards et al. 2015 PMID: 25741868, with internal and published modifications).